The following is an entry in ClinVar:

ClinVar aggregate classification (germline): Pathogenic/Likely pathogenic. Review status: criteria provided, multiple submitters, no conflicts (2 of 4 stars). 3 submissions from 3 submitters: Pathogenic (2); Likely pathogenic (1). Last evaluated 2026-03-10.

Conditions:
SLC27A4-related disorder. Also called: SLC27A4-related condition.
Ichthyosis prematurity syndrome (IPS). Also called: ICHTHYOSIS CONGENITA IV. Identifiers: Orphanet 88621, MedGen C1837610, MONDO:0012089, OMIM 608649.

Allele frequency attached by ClinVar (database versions not stated): ExAC 0.00004; gnomAD exomes 0.00004; TOPMed 0.00004; gnomAD 0.00005; ESP Exome Variant Server 0.00015.

Submissions (3):

PreventionGenetics, part of Exact Sciences
Classification: Pathogenic for SLC27A4-related condition. Last evaluated: 2026-03-10. Review status: criteria provided, single submitter. Criteria: ACMG Guidelines, 2015. Collection method: clinical testing. Allele origin: germline.
Comment: The SLC27A4 c.1430T>A variant is predicted to result in the amino acid substitution p.Val477Asp. This variant has been reported in the homozygous or compound heterozygous state in individuals with ichthyosis prematurity syndrome (IPS) (Sobol et al. 2011. PubMed ID: 21450060; Kiely et al. 2014. PubMed ID: 24889544; Table S1, Frommherz et al. 2021. PubMed ID: 34273205; Table S2, Salik et al. 2024. PubMed ID: 38191074). This variant is reported in 0.0070% of alleles in individuals of European (Non-Finnish) descent in gnomAD. This variant is interpreted as pathogenic.

Labcorp Genetics (formerly Invitae), Labcorp
Classification: Pathogenic. Last evaluated: 2025-09-02. Review status: criteria provided, single submitter. Criteria: Invitae Variant Classification Sherloc (09022015). Collection method: clinical testing. Allele origin: germline.
Comment: This sequence change replaces valine, which is neutral and non-polar, with aspartic acid, which is acidic and polar, at codon 477 of the SLC27A4 protein (p.Val477Asp). This variant is present in population databases (rs147688821, gnomAD 0.006%). This missense change has been observed in individual(s) with ichthyosis prematurity syndrome (PMID: 21450060, 24889544, 34273205). It has also been observed to segregate with disease in related individuals. ClinVar contains an entry for this variant (Variation ID: 2052115). Invitae Evidence Modeling of protein sequence and biophysical properties (such as structural, functional, and spatial information, amino acid conservation, physicochemical variation, residue mobility, and thermodynamic stability) indicates that this missense variant is expected to disrupt SLC27A4 protein function with a positive predictive value of 80%. For these reasons, this variant has been classified as Pathogenic.

Fulgent Genetics
Classification: Likely pathogenic for Ichthyosis prematurity syndrome. Last evaluated: 2024-05-08. Review status: criteria provided, single submitter. Criteria: ACMG Guidelines, 2015. Collection method: clinical testing. Allele origin: germline.

Literature cited by the submitters: PubMed 21450060 (cited by Labcorp Genetics (formerly Invitae), Labcorp); PubMed 24889544 (cited by Labcorp Genetics (formerly Invitae), Labcorp); PubMed 34273205 (cited by Labcorp Genetics (formerly Invitae), Labcorp).

NM_005094.4(SLC27A4):c.1430T>A (p.Val477Asp)

Gene: SLC27A4 (solute carrier family 27 member 4; plus strand). Cytogenetic location: 9q34.11.
Variant type: single nucleotide variant.
Coding change: c.1430T>A on transcript NM_005094.4 (MANE Select); coding-DNA position 1430, T replaced by A.
Protein change: p.Val477Asp; replaces valine 477 with aspartic acid.
Molecular consequence: missense variant.
Genome position (GRCh38, 1-based): chr9:128,355,158, T>A. VCF-style: chr9-128355158-T-A. GRCh37 (hg19) VCF-style: chr9-131117437-T-A.
Other names: c.1430T>A (NM_005094.3); short protein forms V477D.
Identifiers: ClinVar variation 2052115 (VCV002052115.6), dbSNP rs147688821, ClinGen allele CA5261292.
Genomic context (GRCh38, chr9:128,355,158, plus strand): 5'-TGCGCCGCTTCGATGGCTACCTCAACCAGGGCGCCAACAACAAGAAGATTGCCAAGGATG[T>A]CTTCAAGAAGGGGGACCAGGCCTACCTTACTGGTGGGTCCCCAGCCCTTCACAGCCCCTT-3'
Protein context (NP_005085.2, residues 467-487): GANNKKIAKD[Val477Asp]FKKGDQAYLT